The following is an entry in ClinVar:

NM_000245.4(MET):c.4033A>G (p.Ile1345Val)

Gene: MET (MET proto-oncogene, receptor tyrosine kinase; plus strand). Cytogenetic location: 7q31.2.
Variant type: single nucleotide variant.
Coding change: c.4033A>G on transcript NM_000245.4 (MANE Select); coding-DNA position 4033, A replaced by G.
Protein change: p.Ile1345Val; replaces isoleucine 1345 with valine.
Molecular consequence: missense variant.
Genome position (GRCh38, 1-based): chr7:116,795,984, A>G. VCF-style: chr7-116795984-A-G. GRCh37 (hg19) VCF-style: chr7-116436038-A-G.
Other names: c.4087A>G, p.Ile1363Val (NM_001127500.3); c.2743A>G, p.Ile915Val (NM_001324402.2); short protein forms I1363V, I1345V, I915V.
Identifiers: ClinVar variation 4053906 (VCV004053906.2).

ClinVar aggregate classification (germline): Uncertain significance. Review status: criteria provided, multiple submitters, no conflicts (2 of 4 stars). 2 submissions from 2 submitters: Uncertain significance (2). Last evaluated 2025-10-14.

Conditions:
Hereditary cancer-predisposing syndrome. Also called: Neoplastic Syndromes, Hereditary; Tumor predisposition; Hereditary neoplastic syndrome; Hereditary Cancer Syndrome. Identifiers: Orphanet 140162, MedGen C0027672, MeSH D009386, MONDO:0015356.
Renal cell carcinoma. Identifiers: Orphanet 217071, MedGen C0007134, MeSH D002292, MONDO:0005086, HP:0005584.

gnomAD v4.1: 1 of 1,614,062 alleles (0.000062%); highest among the groups gnomAD compares: Non-Finnish European, 0.000085%; no homozygotes.

Submissions (2):

Labcorp Genetics (formerly Invitae), Labcorp
Classification: Uncertain significance for Renal cell carcinoma. Last evaluated: 2025-10-14. Review status: criteria provided, single submitter. Criteria: Invitae Variant Classification Sherloc (09022015). Collection method: clinical testing. Allele origin: germline.
Comment: This sequence change replaces isoleucine, which is neutral and non-polar, with valine, which is neutral and non-polar, at codon 1363 of the MET protein (p.Ile1363Val). This variant is not present in population databases (gnomAD no frequency). This variant has not been reported in the literature in individuals affected with MET-related conditions. ClinVar contains an entry for this variant (Variation ID: 4053906). Invitae Evidence Modeling of protein sequence and biophysical properties (such as structural, functional, and spatial information, amino acid conservation, physicochemical variation, residue mobility, and thermodynamic stability) indicates that this missense variant is not expected to disrupt MET protein function with a negative predictive value of 80%. In summary, the available evidence is currently insufficient to determine the role of this variant in disease. Therefore, it has been classified as a Variant of Uncertain Significance.

Ambry Genetics
Classification: Uncertain significance for Hereditary cancer-predisposing syndrome. Last evaluated: 2025-06-09. Review status: criteria provided, single submitter. Criteria: Ambry Variant Classification Scheme 2023. Collection method: clinical testing. Allele origin: germline.
Comment: The p.I1363V variant (also known as c.4087A>G), located in coding exon 20 of the MET gene, results from an A to G substitution at nucleotide position 4087. The isoleucine at codon 1363 is replaced by valine, an amino acid with highly similar properties. This amino acid position is conserved. In addition, this alteration is predicted to be tolerated by in silico analysis. Based on the available evidence, the clinical significance of this variant remains unclear.